The following is an entry in ClinVar:

NM_014317.5(PDSS1):c.760G>C (p.Glu254Gln)

Gene: PDSS1 (decaprenyl diphosphate synthase subunit 1; plus strand). Cytogenetic location: 10p12.1.
Variant type: single nucleotide variant.
Coding change: c.760G>C on transcript NM_014317.5 (MANE Select); coding-DNA position 760, G replaced by C.
Protein change: p.Glu254Gln; replaces glutamic acid 254 with glutamine.
Molecular consequence: missense variant.
Genome position (GRCh38, 1-based): chr10:26,724,052, G>C. VCF-style: chr10-26724052-G-C. GRCh37 (hg19) VCF-style: chr10-27012981-G-C.
Other names: p.E254Q:GAA>CAA; p.Glu254Gln; c.760G>C, p.Glu254Gln (NM_001321978.2); c.250G>C, p.Glu84Gln (NM_001321979.2); short protein forms E254Q, E84Q.
Identifiers: ClinVar variation 214975 (VCV000214975.15), dbSNP rs145758711, ClinGen allele CA320801.

ClinVar aggregate classification (germline): Conflicting classifications of pathogenicity. Review status: criteria provided, conflicting classifications (1 of 4 stars). 4 submissions from 4 submitters: Uncertain significance (2); Likely benign (2). Last evaluated 2026-10-09.

Allele frequency attached by ClinVar (database versions not stated): gnomAD exomes 0.00006 and 0.00015; ExAC 0.00018; 1000 Genomes Project 0.00060; gnomAD 0.00072 and 0.00078; TOPMed 0.00080; 1000 Genomes Project 30x 0.00047; ESP Exome Variant Server 0.00069.
gnomAD v4.1: 211 of 1,614,130 alleles (0.013%); highest among the groups gnomAD compares: African/African-American, 0.24%; 2 homozygotes.

Submissions (4):

GeneDx
Classification: Uncertain significance. Last evaluated: 2026-10-09. Review status: criteria provided, single submitter. Criteria: GeneDx Variant Classification Process June 2021. Collection method: clinical testing. Allele origin: germline.
Comment: In silico analysis supports that this missense variant has a deleterious effect on protein structure/function; Has not been previously published as pathogenic or benign to our knowledge

Labcorp Genetics (formerly Invitae), Labcorp
Classification: Likely benign. Last evaluated: 2026-01-28. Review status: criteria provided, single submitter. Criteria: Invitae Variant Classification Sherloc (09022015). Collection method: clinical testing. Allele origin: germline.

Mayo Clinic Laboratories, Mayo Clinic
Classification: Uncertain significance. Last evaluated: 2024-07-30. Review status: criteria provided, single submitter. Criteria: ACMG Guidelines, 2015. Collection method: clinical testing. Allele origin: germline. Observed: 1 variant allele.
Comment: BS1

Blueprint Genetics
Classification: Likely benign. Last evaluated: 2024-02-19. Review status: criteria provided, single submitter. Criteria: ACMG Guidelines, 2015. Collection method: clinical testing. Allele origin: germline.